The following is an entry in ClinVar:

NM_005236.3(ERCC4):c.2308A>T (p.Thr770Ser)

Gene: ERCC4 (ERCC excision repair 4, endonuclease catalytic subunit; plus strand). Cytogenetic location: 16p13.12.
Variant type: single nucleotide variant.
Coding change: c.2308A>T on transcript NM_005236.3 (MANE Select); coding-DNA position 2308, A replaced by T.
Protein change: p.Thr770Ser; replaces threonine 770 with serine.
Molecular consequence: missense variant.
Genome position (GRCh38, 1-based): chr16:13,947,904, A>T. VCF-style: chr16-13947904-A-T. GRCh37 (hg19) VCF-style: chr16-14041761-A-T.
Other names: short protein forms T770S.
Identifiers: ClinVar variation 1025296 (VCV001025296.8), dbSNP rs2032550979, ClinGen allele CA394822957.

ClinVar aggregate classification (germline): Uncertain significance (1 of 4 stars; one submission).

Conditions:
Fanconi anemia complementation group Q. Identifiers: Orphanet 84, MedGen C3808988, MONDO:0014108, OMIM 615272.
Xeroderma pigmentosum, group F (XPF). Also called: ERCC4-Related Xeroderma Pigmentosum; XERODERMA PIGMENTOSUM, COMPLEMENTATION GROUP F; XERODERMA PIGMENTOSUM VI; XP, GROUP F; XERODERMA PIGMENTOSUM, TYPE F; Xeroderma pigmentosum, type 6. Identifiers: MedGen C0268140, MONDO:0010215, OMIM 278760.
Cockayne syndrome. Identifiers: Orphanet 191, MedGen C0009207, MONDO:0016006.

Allele frequency attached by ClinVar (database versions not stated): gnomAD exomes below 0.00001.
gnomAD v4.1: 1 of 1,613,902 alleles (0.000062%); highest among the groups gnomAD compares: Non-Finnish European, 0.000085%; no homozygotes.

Submission:

Labcorp Genetics (formerly Invitae), Labcorp
Classification: Uncertain significance for Fanconi anemia complementation group Q; Xeroderma pigmentosum, group F; Cockayne syndrome. Last evaluated: 2020-01-30. Review status: criteria provided, single submitter. Criteria: Invitae Variant Classification Sherloc (09022015). Collection method: clinical testing. Allele origin: germline.
Comment: This sequence change replaces threonine with serine at codon 770 of the ERCC4 protein (p.Thr770Ser). The threonine residue is weakly conserved and there is a small physicochemical difference between threonine and serine. This variant is not present in population databases (ExAC no frequency). In summary, the available evidence is currently insufficient to determine the role of this variant in disease. Therefore, it has been classified as a Variant of Uncertain Significance. Algorithms developed to predict the effect of missense changes on protein structure and function (SIFT, PolyPhen-2, Align-GVGD) all suggest that this variant is likely to be tolerated, but these predictions have not been confirmed by published functional studies and their clinical significance is uncertain. This variant has not been reported in the literature in individuals with ERCC4-related conditions.